The following is an entry in ClinVar:

ClinVar aggregate classification (germline): Uncertain significance. Review status: criteria provided, multiple submitters, no conflicts (2 of 4 stars). 3 submissions from 3 submitters: Uncertain significance (2). 1 of the submissions does not count toward it. Last evaluated 2024-10-15.

Conditions:
Joubert syndrome. Also called: Familial aplasia of the vermis; JOUBERT-BOLTSHAUSER SYNDROME. Identifiers: Orphanet 475, MedGen C5979921, MONDO:0018772.
Nephronophthisis. Also called: Juvenile Nephronophthisis. Identifiers: Orphanet 655, MedGen C0687120, MONDO:0019005, HP:0000090.
Meckel-Gruber syndrome. Also called: DYSENCEPHALIA SPLANCHNOCYSTICA; GRUBER SYNDROME; Dysencephalia splachnocystica. Identifiers: Orphanet 564, MedGen C0265215, MONDO:0018921.
CEP290-related disorder. Also called: CEP290-related condition; CEP290-related disorders. Identifiers: MedGen CN239314.

gnomAD v4.1: 5 of 1,613,192 alleles (0.00031%); highest among the groups gnomAD compares: Admixed American, 0.0033%; no homozygotes.

Submissions (3):

Labcorp Genetics (formerly Invitae), Labcorp
Classification: Uncertain significance for Joubert syndrome; Meckel-Gruber syndrome; Nephronophthisis. Last evaluated: 2024-10-15. Review status: criteria provided, single submitter. Criteria: Invitae Variant Classification Sherloc (09022015). Collection method: clinical testing. Allele origin: germline.
Comment: This sequence change replaces glutamine, which is neutral and polar, with lysine, which is basic and polar, at codon 126 of the CEP290 protein (p.Gln126Lys). This variant is present in population databases (no rsID available, gnomAD 0.002%). This variant has not been reported in the literature in individuals affected with CEP290-related conditions. ClinVar contains an entry for this variant (Variation ID: 2046776). Invitae Evidence Modeling of protein sequence and biophysical properties (such as structural, functional, and spatial information, amino acid conservation, physicochemical variation, residue mobility, and thermodynamic stability) indicates that this missense variant is not expected to disrupt CEP290 protein function with a negative predictive value of 80%. In summary, the available evidence is currently insufficient to determine the role of this variant in disease. Therefore, it has been classified as a Variant of Uncertain Significance.

Blueprint Genetics
Classification: Uncertain significance. Last evaluated: 2023-01-30. Review status: criteria provided, single submitter. Criteria: ACMG Guidelines, 2015. Collection method: clinical testing. Allele origin: germline.

PreventionGenetics, part of Exact Sciences
Classification: Uncertain significance for CEP290-related condition. Last evaluated: 2024-04-30. Review status: no assertion criteria provided. Collection method: clinical testing. Allele origin: germline. Not counted in ClinVar's aggregate classification.
Comment: The CEP290 c.376C>A variant is predicted to result in the amino acid substitution p.Gln126Lys. To our knowledge, this variant has not been reported in the literature. This variant is reported in 0.0016% of alleles in individuals of European (Non-Finnish) descent in gnomAD. At this time, the clinical significance of this variant is uncertain due to the absence of conclusive functional and genetic evidence.

NM_025114.4(CEP290):c.376C>A (p.Gln126Lys)

Gene: CEP290 (centrosomal protein 290; minus strand). Cytogenetic location: 12q21.32.
Variant type: single nucleotide variant.
Coding change: c.376C>A on transcript NM_025114.4 (MANE Select); coding-DNA position 376, C replaced by A.
Protein change: p.Gln126Lys; replaces glutamine 126 with lysine.
Molecular consequence: missense variant.
Genome position (GRCh38, 1-based): chr12:88,136,708, G>T on the plus strand (C>A on the coding strand, the complement: CEP290 is on the minus strand). VCF-style: chr12-88136708-G-T. GRCh37 (hg19) VCF-style: chr12-88530485-G-T.
Other names: c.376C>A (NM_025114.3); short protein forms Q126K.
Identifiers: ClinVar variation 2046776 (VCV002046776.4), dbSNP rs1222421581, ClinGen allele CA385987437.